The following is an entry in ClinVar:

ClinVar aggregate classification (germline): Uncertain significance (1 of 4 stars; one submission).

Submission:

GeneDx
Classification: Uncertain significance. Last evaluated: 2023-06-06. Review status: criteria provided, single submitter. Criteria: GeneDx Variant Classification Process June 2021. Collection method: clinical testing. Allele origin: germline. Affected: yes.
Comment: Has not been previously published as pathogenic or benign to our knowledge; In silico analysis supports that this missense variant does not alter protein structure/function; Not observed at significant frequency in large population cohorts (gnomAD)

NM_001291867.2(NHS):c.4739C>T (p.Ser1580Phe)

Gene: NHS (NHS actin remodeling regulator; plus strand). Cytogenetic location: Xp22.13.
Variant type: single nucleotide variant.
Coding change: c.4739C>T on transcript NM_001291867.2 (MANE Select); coding-DNA position 4739, C replaced by T.
Protein change: p.Ser1580Phe; replaces serine 1580 with phenylalanine.
Molecular consequence: missense variant.
Genome position (GRCh38, 1-based): chrX:17,732,247, C>T. VCF-style: chrX-17732247-C-T. GRCh37 (hg19) VCF-style: chrX-17750367-C-T.
Other names: c.4208C>T, p.Ser1403Phe (NM_001136024.4); c.4145C>T, p.Ser1382Phe (NM_001291868.2); c.4676C>T, p.Ser1559Phe (NM_198270.4); short protein forms S1382F, S1403F, S1559F, S1580F.
Identifiers: ClinVar variation 3359570 (VCV003359570.1).